The following is an entry in ClinVar:

NM_017668.3(NDE1):c.182A>G (p.Asn61Ser)

Gene: NDE1 (nudE neurodevelopment protein 1; plus strand). Cytogenetic location: 16p13.11.
Variant type: single nucleotide variant.
Coding change: c.182A>G on transcript NM_017668.3 (MANE Select); coding-DNA position 182, A replaced by G.
Protein change: p.Asn61Ser; replaces asparagine 61 with serine.
Molecular consequence: missense variant.
Genome position (GRCh38, 1-based): chr16:15,667,384, A>G. VCF-style: chr16-15667384-A-G. GRCh37 (hg19) VCF-style: chr16-15761241-A-G.
Other names: c.182A>G, p.Asn61Ser (NM_001143979.2); short protein forms N61S.
Identifiers: ClinVar variation 975758 (VCV000975758.9), dbSNP rs1274498488, ClinGen allele CA394848257.

ClinVar aggregate classification (germline): Uncertain significance. Review status: criteria provided, single submitter (1 of 4 stars). 2 submissions from 2 submitters: Uncertain significance (1). 1 of the submissions does not count toward it. Last evaluated 2021-06-23.

Conditions:
Intellectual disability. Also called: intellectual disabilities; Intellectual developmental disorder; Intellectual functioning disability. Identifiers: MedGen C3714756, MeSH D008607, MONDO:0001071, HP:0001249.

Submissions (2):

Labcorp Genetics (formerly Invitae), Labcorp
Classification: Uncertain significance. Last evaluated: 2021-06-23. Review status: criteria provided, single submitter. Criteria: Invitae Variant Classification Sherloc (09022015). Collection method: clinical testing. Allele origin: germline.
Comment: This variant has not been reported in the literature in individuals affected with NDE1-related conditions. ClinVar contains an entry for this variant (Variation ID: 975758). Algorithms developed to predict the effect of missense changes on protein structure and function are either unavailable or do not agree on the potential impact of this missense change (SIFT: "Deleterious"; PolyPhen-2: "Possibly Damaging"; Align-GVGD: "Class C0"). In summary, the available evidence is currently insufficient to determine the role of this variant in disease. Therefore, it has been classified as a Variant of Uncertain Significance. This sequence change replaces asparagine with serine at codon 61 of the NDE1 protein (p.Asn61Ser). The asparagine residue is moderately conserved and there is a small physicochemical difference between asparagine and serine. This variant is not present in population databases (ExAC no frequency).

Centre de Biologie Pathologie Génétique, Centre Hospitalier Universitaire de Lille
Classification: Likely benign for Intellectual disability. Last evaluated: 2019-01-01. Review status: no assertion criteria provided. Collection method: clinical testing. Allele origin: inherited. Affected: yes. Not counted in ClinVar's aggregate classification.